The following is an entry in ClinVar:

ClinVar aggregate classification (germline): Uncertain significance (1 of 4 stars; one submission).

Submission:

Labcorp Genetics (formerly Invitae), Labcorp
Classification: Uncertain significance. Last evaluated: 2025-11-12. Review status: criteria provided, single submitter. Criteria: Invitae Variant Classification Sherloc (09022015). Collection method: clinical testing. Allele origin: germline.
Comment: This sequence change replaces alanine, which is neutral and non-polar, with threonine, which is neutral and polar, at codon 80 of the RP9 protein (p.Ala80Thr). This variant is present in population databases (rs762365872, gnomAD 0.003%). This variant has not been reported in the literature in individuals affected with RP9-related conditions. An algorithm developed to predict the effect of missense changes on protein structure and function (PolyPhen-2) suggests that this variant is likely to be disruptive. In summary, the available evidence is currently insufficient to determine the role of this variant in disease. Therefore, it has been classified as a Variant of Uncertain Significance.

NM_203288.2(RP9):c.238G>A (p.Ala80Thr)

Gene: RP9 (RP9 pre-mRNA splicing factor; minus strand). Cytogenetic location: 7p14.3.
Variant type: single nucleotide variant.
Coding change: c.238G>A on transcript NM_203288.2 (MANE Select); coding-DNA position 238, G replaced by A.
Protein change: p.Ala80Thr; replaces alanine 80 with threonine.
Molecular consequence: missense variant.
Genome position (GRCh38, 1-based): chr7:33,099,382, C>T on the plus strand (G>A on the coding strand, the complement: RP9 is on the minus strand). VCF-style: chr7-33099382-C-T. GRCh37 (hg19) VCF-style: chr7-33138994-C-T.
Other names: short protein forms A80T.
Identifiers: ClinVar variation 4761592 (VCV004761592.1).
Genomic context (GRCh38, chr7:33,099,382, plus strand): 5'-CTTCTTTCCCCAGTGGCATCCAAAGTCCTTTAGTTGGTGCATGAGCCAGAAATTCCCTGG[C>T]GTGTTCATTGCCTGGTACATCTGGTATGCAATCTTCTGGCTTAGTCTCATCTTCCTAAAA-3'
Protein context (NP_976033.1, residues 70-90): CIPDVPGNEH[Ala80Thr]REFLAHAPTK